The following is an entry in ClinVar:

ClinVar aggregate classification (germline): Uncertain significance. Review status: criteria provided, multiple submitters, no conflicts (2 of 4 stars). 2 submissions from 2 submitters: Uncertain significance (2). Last evaluated 2024-09-10.

Conditions:
Long QT syndrome (LQTS). Identifiers: MedGen C0023976, MeSH D008133, MONDO:0002442. Disease mechanism: loss of function. Inheritance: Various modes of inheritance.

gnomAD v4.1: 6 of 1,614,158 alleles (0.00037%); highest among the groups gnomAD compares: South Asian, 0.0022%; no homozygotes.

Submissions (2):

GeneDx
Classification: Uncertain significance. Last evaluated: 2024-09-10. Review status: criteria provided, single submitter. Criteria: GeneDx Variant Classification Process June 2021. Collection method: clinical testing. Allele origin: germline. Affected: yes.
Comment: Not observed at significant frequency in large population cohorts (gnomAD); In silico analysis indicates that this missense variant does not alter protein structure/function; Has not been previously published as pathogenic or benign to our knowledge; Located in exon 38, which is reported as being expressed in a brain-specific transcript (PMID: 1830053, 18790697, 26109584); This variant is associated with the following publications: (PMID: 1830053, 18790697, 26109584)

Labcorp Genetics (formerly Invitae), Labcorp
Classification: Uncertain significance for Long QT syndrome. Last evaluated: 2023-08-03. Review status: criteria provided, single submitter. Criteria: Invitae Variant Classification Sherloc (09022015). Collection method: clinical testing. Allele origin: germline.
Comment: This variant has not been reported in the literature in individuals affected with ANK2-related conditions. In summary, the available evidence is currently insufficient to determine the role of this variant in disease. Therefore, it has been classified as a Variant of Uncertain Significance. An algorithm developed to predict the effect of missense changes on protein structure and function (PolyPhen-2) suggests that this variant is likely to be disruptive. This variant is not present in population databases (gnomAD no frequency). This sequence change replaces cysteine, which is neutral and slightly polar, with tyrosine, which is neutral and polar, at codon 2568 of the ANK2 protein (p.Cys2568Tyr).

NM_001148.6(ANK2):c.7703G>A (p.Cys2568Tyr)

Genes: ANK2 (ankyrin 2; plus strand), LOC126807137 (CDK7 strongly-dependent group 2 enhancer GRCh37_chr4:114276560-114277759; plus strand). Cytogenetic location: 4q26.
Variant type: single nucleotide variant.
Coding change: c.7703G>A on transcript NM_001148.6 (MANE Select); coding-DNA position 7703, G replaced by A.
Protein change: p.Cys2568Tyr; replaces cysteine 2568 with tyrosine.
Molecular consequence: missense variant. On other transcripts: intron variant (68).
Genome position (GRCh38, 1-based): chr4:113,356,321, G>A. VCF-style: chr4-113356321-G-A. GRCh37 (hg19) VCF-style: chr4-114277477-G-A.
Other names: c.4364-4502G>A (NM_001354255.2, NM_001386143.1, NM_001354243.2); c.4265-4502G>A (NM_001354262.2, NM_001354275.2, NM_001354245.2); c.4202-4502G>A (NM_001354253.2, NM_001354270.2); c.4166-4502G>A (NM_001354257.2, NM_001386156.1); c.4241-4502G>A (NM_001354249.2, NM_001354266.2, NM_001354276.2 and 2 more transcripts); c.4208-4502G>A (NM_001386146.1, NM_001386150.1, NM_001386149.1 and 1 more transcripts); c.4193-4502G>A (NM_001354274.2, NM_001386154.1); c.4142-4502G>A (NM_001386151.1, NM_001354260.2, NM_001354271.2); and 35 more; short protein forms C2607Y, C1368Y, C2490Y, C2568Y, C2615Y.
Identifiers: ClinVar variation 2830927 (VCV002830927.4), dbSNP rs767713191, ClinGen allele CA357931596.
Genomic context (GRCh38, chr4:113,356,321, plus strand): 5'-ATGAGGTTACACCCAAAACCACAGATGTAAGTACACCAAAACCAGCTGTGATTCATGAAT[G>A]TGCAGAGGAGGATGATTCAGAAAACGGGGAGAAAAAGAGGTTCACACCTGAAGAGGAGAT-3'
Protein context (NP_001139.3, residues 2558-2578): STPKPAVIHE[Cys2568Tyr]AEEDDSENGE